The following is an entry in ClinVar:

NM_138713.4(NFAT5):c.3655G>T (p.Ala1219Ser)

Gene: NFAT5 (nuclear factor of activated T cells 5; plus strand). Cytogenetic location: 16q22.1.
Variant type: single nucleotide variant.
Coding change: c.3655G>T on transcript NM_138713.4 (MANE Select); coding-DNA position 3655, G replaced by T.
Protein change: p.Ala1219Ser; replaces alanine 1219 with serine.
Molecular consequence: missense variant.
Genome position (GRCh38, 1-based): chr16:69,693,480, G>T. VCF-style: chr16-69693480-G-T. GRCh37 (hg19) VCF-style: chr16-69727383-G-T.
Other names: c.3652G>T, p.Ala1218Ser (NM_001113178.3); c.2980G>T, p.Ala994Ser (NM_001367709.1); c.3601G>T, p.Ala1201Ser (NM_006599.4); c.3373G>T, p.Ala1125Ser (NM_138714.4, NM_173214.3, NM_173215.3); short protein forms A1125S, A1218S, A1219S, A1201S, A994S.
Identifiers: ClinVar variation 3694727 (VCV003694727.3).
Genomic context (GRCh38, chr16:69,693,480, plus strand): 5'-GCTTTCCAACAGCAAGCTCCAATATCACACATCCAGACTCCTATGCTTTCCCAAGAACAG[G>T]CACAACCCCCGCAGCAGGGTTTATTTCAGCCTCAGGTGGCCCTGGGCTCCCTTCCACCTA-3'
Protein context (NP_619727.2, residues 1209-1229): IQTPMLSQEQ[Ala1219Ser]QPPQQGLFQP

ClinVar aggregate classification (germline): Uncertain significance. Review status: criteria provided, multiple submitters, no conflicts (2 of 4 stars). 2 submissions from 2 submitters: Uncertain significance (2). Last evaluated 2025-03-06.

Conditions:
Immunodeficiency. Identifiers: MedGen C0021051, MONDO:0021094, HP:0002721.

gnomAD v4.1: 5 of 1,614,088 alleles (0.00031%); highest among the groups gnomAD compares: Non-Finnish European, 0.00042%; no homozygotes.

Submissions (2):

Labcorp Genetics (formerly Invitae), Labcorp
Classification: Uncertain significance for Immunodeficiency. Last evaluated: 2025-03-06. Review status: criteria provided, single submitter. Criteria: Invitae Variant Classification Sherloc (09022015). Collection method: clinical testing. Allele origin: germline.
Comment: This sequence change replaces alanine, which is neutral and non-polar, with serine, which is neutral and polar, at codon 1125 of the NFAT5 protein (p.Ala1125Ser). This variant is not present in population databases (gnomAD no frequency). This variant has not been reported in the literature in individuals affected with NFAT5-related conditions. An algorithm developed to predict the effect of missense changes on protein structure and function (PolyPhen-2) suggests that this variant is likely to be tolerated. In summary, the available evidence is currently insufficient to determine the role of this variant in disease. Therefore, it has been classified as a Variant of Uncertain Significance.

Blueprint Genetics
Classification: Uncertain significance. Last evaluated: 2022-05-26. Review status: criteria provided, single submitter. Criteria: ACMG Guidelines, 2015. Collection method: clinical testing. Allele origin: germline.